The following is an entry in ClinVar:

ClinVar aggregate classification (germline): Uncertain significance (1 of 4 stars; one submission).

Conditions:
Epidermolysis bullosa simplex with nail dystrophy (EBS5D). Identifiers: MedGen C4225309, MONDO:0014661, OMIM 616487.
Epidermolysis bullosa simplex, Ogna type (EBS5A). Also called: Pidermolysis bullosa simplex 5A, Ogna type; EPIDERMOLYSIS BULLOSA SIMPLEX 5A, OGNA TYPE. Identifiers: Orphanet 79401, MedGen C0432317, MONDO:0007555, OMIM 131950.
Autosomal recessive limb-girdle muscular dystrophy type 2Q (LGMDR17). Also called: MUSCULAR DYSTROPHY, LIMB-GIRDLE, AUTOSOMAL RECESSIVE 17. Identifiers: Orphanet 254361, MedGen C3150989, MONDO:0013390, OMIM 613723.
Epidermolysis bullosa simplex 5B, with muscular dystrophy (EBS5B). Also called: EPIDERMOLYSIS BULLOSA SIMPLEX AND LIMB-GIRDLE MUSCULAR DYSTROPHY; Epidermolysis bullosa simplex with muscular dystrophy. Identifiers: Orphanet 257, MedGen C2931072, MONDO:0009181, OMIM 226670.
Epidermolysis bullosa simplex 5C, with pyloric atresia (EBS5C). Also called: PLEC-Related Epidermolysis Bullosa with Pyloric Atresia; Epidermolysis bullosa simplex with pyloric atresia; PLEC1-Related Epidermolysis Bullosa with Pyloric Atresia. Identifiers: Orphanet 158684, MedGen C2677349, MONDO:0012807, OMIM 612138.

Submission:

Labcorp Genetics (formerly Invitae), Labcorp
Classification: Uncertain significance for Autosomal recessive limb-girdle muscular dystrophy type 2Q; Epidermolysis bullosa simplex, Ogna type; Epidermolysis bullosa simplex with nail dystrophy; Epidermolysis bullosa simplex 5C, with pyloric atresia; Epidermolysis bullosa simplex 5B, with muscular dystrophy. Last evaluated: 2024-04-03. Review status: criteria provided, single submitter. Criteria: Invitae Variant Classification Sherloc (09022015). Collection method: clinical testing. Allele origin: germline.
Comment: This sequence change replaces serine, which is neutral and polar, with isoleucine, which is neutral and non-polar, at codon 413 of the PLEC protein (p.Ser413Ile). This variant is not present in population databases (gnomAD no frequency). This variant has not been reported in the literature in individuals affected with PLEC-related conditions. Advanced modeling of protein sequence and biophysical properties (such as structural, functional, and spatial information, amino acid conservation, physicochemical variation, residue mobility, and thermodynamic stability) performed at Invitae indicates that this missense variant is expected to disrupt PLEC protein function with a positive predictive value of 80%. In summary, the available evidence is currently insufficient to determine the role of this variant in disease. Therefore, it has been classified as a Variant of Uncertain Significance.

NM_201384.3(PLEC):c.1157G>T (p.Ser386Ile)

Gene: PLEC (plectin; minus strand). Cytogenetic location: 8q24.3.
Variant type: single nucleotide variant.
Coding change: c.1157G>T on transcript NM_201384.3 (MANE Select); coding-DNA position 1157, G replaced by T.
Protein change: p.Ser386Ile; replaces serine 386 with isoleucine.
Molecular consequence: missense variant.
Genome position (GRCh38, 1-based): chr8:143,934,330, C>A on the plus strand (G>T on the coding strand, the complement: PLEC is on the minus strand). VCF-style: chr8-143934330-C-A. GRCh37 (hg19) VCF-style: chr8-145008498-C-A.
Other names: c.1238G>T, p.Ser413Ile (NM_000445.5, NM_001410941.1); c.1115G>T, p.Ser372Ile (NM_201378.4); c.1091G>T, p.Ser364Ile (NM_201379.3); c.1568G>T, p.Ser523Ile (NM_201380.4); c.1061G>T, p.Ser354Ile (NM_201381.3); c.1157G>T, p.Ser386Ile (NM_201382.4); c.1169G>T, p.Ser390Ile (NM_201383.3); short protein forms S354I, S364I, S372I, S386I, S390I, S413I, S523I.
Identifiers: ClinVar variation 3755679 (VCV003755679.2).